The following is an entry in ClinVar:

ClinVar aggregate classification (germline): Conflicting classifications of pathogenicity. Review status: criteria provided, conflicting classifications (1 of 4 stars). 5 submissions from 5 submitters: Uncertain significance (3); Likely benign (2). Last evaluated 2025-08-13.

Conditions:
Hereditary cancer-predisposing syndrome. Also called: Neoplastic Syndromes, Hereditary; Hereditary Cancer Syndrome; Tumor predisposition; Hereditary neoplastic syndrome. Identifiers: Orphanet 140162, MedGen C0027672, MeSH D009386, MONDO:0015356.
BRCA2-related disorder. Also called: BRCA2-related condition; BRCA2-related disorders. Identifiers: MedGen CN239275.
Hereditary breast ovarian cancer syndrome. Also called: Hereditary breast and ovarian cancer syndrome; Hereditary breast and ovarian cancer syndrome (HBOC); Hereditary breast and/or ovarian cancer syndrome; Hereditary breast and ovarian cancer; Breast and ovarian cancer; BRCA1- and BRCA2-Associated Hereditary Breast and Ovarian Cancer. Identifiers: Orphanet 145, MedGen C0677776, MeSH D061325, MONDO:0003582. Disease mechanism: loss of function.

Allele frequency attached by ClinVar (database versions not stated): TOPMed below 0.00001; gnomAD 0.00001.

Submissions (5):

Labcorp Genetics (formerly Invitae), Labcorp
Classification: Uncertain significance for Hereditary breast ovarian cancer syndrome. Last evaluated: 2025-08-13. Review status: criteria provided, single submitter. Criteria: Invitae Variant Classification Sherloc (09022015). Collection method: clinical testing. Allele origin: germline.
Comment: This sequence change replaces serine, which is neutral and polar, with cysteine, which is neutral and slightly polar, at codon 652 of the BRCA2 protein (p.Ser652Cys). This variant is not present in population databases (gnomAD no frequency). This variant has not been reported in the literature in individuals affected with BRCA2-related conditions. ClinVar contains an entry for this variant (Variation ID: 927597). Invitae Evidence Modeling of protein sequence and biophysical properties (such as structural, functional, and spatial information, amino acid conservation, physicochemical variation, residue mobility, and thermodynamic stability) indicates that this missense variant is not expected to disrupt BRCA2 protein function with a negative predictive value of 95%. In summary, the available evidence is currently insufficient to determine the role of this variant in disease. Therefore, it has been classified as a Variant of Uncertain Significance.

Ambry Genetics
Classification: Likely benign for Hereditary cancer-predisposing syndrome. Last evaluated: 2024-01-23. Review status: criteria provided, single submitter. Criteria: Ambry Variant Classification Scheme 2023. Collection method: clinical testing. Allele origin: germline.

University of Washington Department of Laboratory Medicine, University of Washington
Classification: Likely benign for Hereditary cancer-predisposing syndrome. Last evaluated: 2023-03-23. Review status: criteria provided, single submitter. Criteria: Dines et al. (Genet Med. 2020). Collection method: curation. Allele origin: germline.
Comment: Missense variant in a coldspot region where missense variants are very unlikely to be pathogenic (PMID:31911673).

BRCA2 exon 11 coldspot. Reclassification based on statistical prior probability.

PreventionGenetics, part of Exact Sciences
Classification: Uncertain significance for BRCA2-related condition. Last evaluated: 2022-12-09. Review status: criteria provided, single submitter. Criteria: ACMG Guidelines, 2015. Collection method: clinical testing. Allele origin: germline.
Comment: The BRCA2 c.1955C>G variant is predicted to result in the amino acid substitution p.Ser652Cys. To our knowledge, this variant has not been reported in the literature or in a large population database, indicating this variant is rare. In ClinVar, this variant has been interpreted as uncertain. At this time, the clinical significance of this variant is uncertain due to the absence of conclusive functional and genetic evidence.

Color Diagnostics, LLC DBA Color Health
Classification: Uncertain significance for Hereditary cancer-predisposing syndrome. Last evaluated: 2019-01-09. Review status: criteria provided, single submitter. Criteria: ACMG Guidelines, 2015. Collection method: clinical testing. Allele origin: germline.

NM_000059.4(BRCA2):c.1955C>G (p.Ser652Cys)

Gene: BRCA2 (BRCA2 DNA repair associated; plus strand). Cytogenetic location: 13q13.1.
Variant type: single nucleotide variant.
Coding change: c.1955C>G on transcript NM_000059.4 (MANE Select); coding-DNA position 1955, C replaced by G.
Protein change: p.Ser652Cys; replaces serine 652 with cysteine.
Molecular consequence: missense variant.
Genome position (GRCh38, 1-based): chr13:32,336,310, C>G. VCF-style: chr13-32336310-C-G. GRCh37 (hg19) VCF-style: chr13-32910447-C-G.
Other names: short protein forms S652C.
Identifiers: ClinVar variation 927597 (VCV000927597.14), dbSNP rs1593895864, ClinGen allele CA387768452.
Genomic context (GRCh38, chr13:32,336,310, plus strand): 5'-TGTTTTTATGTTTAGGTTTATTGCATTCTTCTGTGAAAAGAAGCTGTTCACAGAATGATT[C>G]TGAAGAACCAACTTTGTCCTTAACTAGCTCTTTTGGGACAATTCTGAGGAAATGTTCTAG-3'
Protein context (NP_000050.3, residues 642-662): SVKRSCSQND[Ser652Cys]EEPTLSLTSS